The following is an entry in ClinVar:

NM_001035.3(RYR2):c.2382C>T (p.Phe794=)

Gene: RYR2 (ryanodine receptor 2; plus strand). Cytogenetic location: 1q43.
Variant type: single nucleotide variant.
Coding change: c.2382C>T on transcript NM_001035.3 (MANE Select); coding-DNA position 2382, C replaced by T.
Protein change: p.Phe794=; no amino-acid change (phenylalanine 794 retained).
Molecular consequence: synonymous variant.
Genome position (GRCh38, 1-based): chr1:237,500,889, C>T. VCF-style: chr1-237500889-C-T. GRCh37 (hg19) VCF-style: chr1-237664189-C-T.
Identifiers: ClinVar variation 3074688 (VCV003074688.1), dbSNP rs750091614, ClinGen allele CA086025.

ClinVar aggregate classification (germline): Likely benign (1 of 4 stars; one submission).

Conditions:
Catecholaminergic polymorphic ventricular tachycardia (CVPT). Also called: Catecholamine-induced polymorphic ventricular tachycardia. Identifiers: Orphanet 3286, MedGen C5574922, MONDO:0017990.

Allele frequency attached by ClinVar (database versions not stated): gnomAD exomes below 0.00001; ExAC 0.00001.
gnomAD v4.1: 1 of 1,613,894 alleles (0.000062%); highest among the groups gnomAD compares: Non-Finnish European, 0.000085%; no homozygotes.

Submission:

All of Us Research Program, National Institutes of Health
Classification: Likely benign for Catecholaminergic polymorphic ventricular tachycardia. Last evaluated: 2023-11-20. Review status: criteria provided, single submitter. Criteria: ACMG Guidelines, 2015. Collection method: clinical testing. Allele origin: germline. Inheritance: Autosomal dominant inheritance. Observed: 1 variant allele, 1 heterozygote.
Comment: This study involves interpretation of variants in research participants for the purpose of population health screening. Participant phenotype was not available at the time of variant classification. Additional details can be found in publication PMID: 35346344, PMCID: PMC8962531